The following is an entry in ClinVar:

NM_001282116.2(RFX3):c.1683G>A (p.Gln561=)

Gene: RFX3 (regulatory factor X3; minus strand). Cytogenetic location: 9p24.2.
Variant type: single nucleotide variant.
Coding change: c.1683G>A on transcript NM_001282116.2 (MANE Select); coding-DNA position 1683, G replaced by A.
Protein change: p.Gln561=; no amino-acid change (glutamine 561 retained).
Molecular consequence: synonymous variant.
Genome position (GRCh38, 1-based): chr9:3,257,122, C>T on the plus strand (G>A on the coding strand, the complement: RFX3 is on the minus strand). VCF-style: chr9-3257122-C-T. GRCh37 (hg19) VCF-style: chr9-3257122-C-T.
Other names: c.1683G>A, p.Gln561= (NM_001377999.1, NM_002919.4, NM_134428.3).
Identifiers: ClinVar variation 778377 (VCV000778377.30), dbSNP rs35483263, ClinGen allele CA4967060.

ClinVar aggregate classification (germline): Benign. Review status: criteria provided, multiple submitters, no conflicts (2 of 4 stars). 4 submissions from 4 submitters: Benign (3). 1 of the submissions does not count toward it. Last evaluated 2026-09-01.

Conditions:
RFX3-related disorder. Also called: RFX3-related condition.

Allele frequency attached by ClinVar (database versions not stated): 1000 Genomes Project 0.00120; 1000 Genomes Project 30x 0.00125; ExAC 0.00436; gnomAD 0.00457 and 0.00480; gnomAD exomes 0.00466; TOPMed 0.00499; ESP Exome Variant Server 0.00523.
gnomAD v4.1: 11,528 of 1,613,992 alleles (0.71%); highest among the groups gnomAD compares: Non-Finnish European, 0.88%; 70 homozygotes.

Submissions (4):

CeGaT Center for Human Genetics Tuebingen
Classification: Benign. Last evaluated: 2026-09-01. Review status: criteria provided, single submitter. Criteria: CeGaT Center For Human Genetics Tuebingen Variant Classification Criteria Version 2. Collection method: clinical testing. Allele origin: germline. Affected: yes. Observed: 20 variant alleles.
Comment: RFX3: BP4, BS1, BS2

Labcorp Genetics (formerly Invitae), Labcorp
Classification: Benign. Last evaluated: 2019-12-31. Review status: criteria provided, single submitter. Criteria: Invitae Variant Classification Sherloc (09022015). Collection method: clinical testing. Allele origin: germline.

Breakthrough Genomics
Classification: Benign. Review status: criteria provided, single submitter. Criteria: ACMG Guidelines, 2015. Collection method: not provided. Allele origin: germline. Inheritance: Unknown mechanism. Affected: yes.

PreventionGenetics, part of Exact Sciences
Classification: Benign for RFX3-related condition. Last evaluated: 2019-05-13. Review status: no assertion criteria provided. Collection method: clinical testing. Allele origin: germline. Not counted in ClinVar's aggregate classification.
Comment: This variant is classified as benign based on ACMG/AMP sequence variant interpretation guidelines (Richards et al. 2015 PMID: 25741868, with internal and published modifications).